The following is an entry in ClinVar:

NM_080680.3(COL11A2):c.3906+5G>A

Gene: COL11A2 (collagen type XI alpha 2 chain; minus strand). Cytogenetic location: 6p21.32.
Variant type: single nucleotide variant.
Coding change: c.3906+5G>A on transcript NM_080680.3 (MANE Select); 5 bases into the intron after coding-DNA position 3906, G replaced by A.
Molecular consequence: intron variant.
Genome position (GRCh38, 1-based): chr6:33,168,701, C>T on the plus strand (G>A on the coding strand, the complement: COL11A2 is on the minus strand). VCF-style: chr6-33168701-C-T. GRCh37 (hg19) VCF-style: chr6-33136478-C-T.
Other names: c.3060+5G>A (NM_001424109.1); c.1860+5G>A (NM_001424112.1); c.2880+5G>A (NM_001424111.1, NM_001424110.1); c.3585+5G>A (NM_080679.3); c.3648+5G>A (NM_080681.3); c.3726+5G>A (NM_001424108.1).
Identifiers: ClinVar variation 3720683 (VCV003720683.2).
Genomic context (GRCh38, chr6:33,168,701, plus strand): 5'-ACAGAAGAGGGGTAAAGAGGATGAGGCTTGGGCTCAGGGGGGTGGTGGGGTCACCAGGCA[C>T]TCACAGGCTGTCCTGGCTCACCATCCTCGCCTCGGTCACCCTTAGCACCATCCTGGCCCT-3'

ClinVar aggregate classification (germline): Uncertain significance (1 of 4 stars; one submission).

gnomAD v4.1: 1 of 1,590,634 alleles (0.000063%); highest among the groups gnomAD compares: Non-Finnish European, 0.000086%; no homozygotes.

Submission:

Labcorp Genetics (formerly Invitae), Labcorp
Classification: Uncertain significance. Last evaluated: 2025-01-13. Review status: criteria provided, single submitter. Criteria: Invitae Variant Classification Sherloc (09022015). Collection method: clinical testing. Allele origin: germline.
Comment: This sequence change falls in intron 53 of the COL11A2 gene. It does not directly change the encoded amino acid sequence of the COL11A2 protein. It affects a nucleotide within the consensus splice site. This variant is not present in population databases (gnomAD no frequency). This variant has been observed in individual(s) with otospondylomegaepiphyseal dysplasia (PMID: 10677296). In at least one individual the data is consistent with being in trans (on the opposite chromosome) from a pathogenic variant. Variants that disrupt the consensus splice site are a relatively common cause of aberrant splicing (PMID: 17576681, 9536098). Algorithms developed to predict the effect of sequence changes on RNA splicing suggest that this variant may disrupt the consensus splice site. In summary, the available evidence is currently insufficient to determine the role of this variant in disease. Therefore, it has been classified as a Variant of Uncertain Significance.

Literature cited by the submitters: PubMed 10677296; PubMed 17576681; PubMed 9536098.